The following is an entry in ClinVar:

NM_000038.6(APC):c.5143G>A (p.Asp1715Asn)

Gene: APC (APC regulator of Wnt signaling pathway; plus strand). Cytogenetic location: 5q22.2.
Variant type: single nucleotide variant.
Coding change: c.5143G>A on transcript NM_000038.6 (MANE Select); coding-DNA position 5143, G replaced by A.
Protein change: p.Asp1715Asn; replaces aspartic acid 1715 with asparagine.
Molecular consequence: missense variant.
Genome position (GRCh38, 1-based): chr5:112,840,737, G>A. VCF-style: chr5-112840737-G-A. GRCh37 (hg19) VCF-style: chr5-112176434-G-A.
Other names: c.5143G>A, p.Asp1715Asn (NM_001127510.3, NM_001354895.2, NM_001407450.1); c.5089G>A, p.Asp1697Asn (NM_001127511.3); c.5197G>A, p.Asp1733Asn (NM_001354896.2, NM_001407447.1, NM_001407448.1 and 1 more transcripts); c.5173G>A, p.Asp1725Asn (NM_001354897.2); c.5068G>A, p.Asp1690Asn (NM_001354898.2); c.5059G>A, p.Asp1687Asn (NM_001354899.2); c.5020G>A, p.Asp1674Asn (NM_001354900.2); c.4966G>A, p.Asp1656Asn (NM_001354901.2, NM_001407453.1); and 11 more; short protein forms D1555N, D1589N, D1656N, D1674N, D1697N, D1708N, D1715N, D1733N.
Identifiers: ClinVar variation 1745620 (VCV001745620.2), dbSNP rs2149933041, ClinGen allele CA16032568.

ClinVar aggregate classification (germline): Uncertain significance (1 of 4 stars; one submission).

Conditions:
Hereditary cancer-predisposing syndrome. Also called: Hereditary Cancer Syndrome; Neoplastic Syndromes, Hereditary; Tumor predisposition; Hereditary neoplastic syndrome. Identifiers: Orphanet 140162, MedGen C0027672, MeSH D009386, MONDO:0015356.

Submission:

Ambry Genetics
Classification: Uncertain significance for Hereditary cancer-predisposing syndrome. Last evaluated: 2022-01-04. Review status: criteria provided, single submitter. Criteria: Ambry Variant Classification Scheme 2023. Collection method: clinical testing. Allele origin: germline.
Comment: The p.D1715N variant (also known as c.5143G>A), located in coding exon 15 of the APC gene, results from a G to A substitution at nucleotide position 5143. The aspartic acid at codon 1715 is replaced by asparagine, an amino acid with highly similar properties. This amino acid position is conserved. In addition, in silico predictors for this gene do not accurately predict pathogenicity. Since supporting evidence is limited at this time, the clinical significance of this alteration remains unclear.